The following is an entry in ClinVar:

NM_017763.6(RNF43):c.1606G>C (p.Val536Leu)

Gene: RNF43 (ring finger protein 43; minus strand). Cytogenetic location: 17q22.
Variant type: single nucleotide variant.
Coding change: c.1606G>C on transcript NM_017763.6 (MANE Select); coding-DNA position 1606, G replaced by C.
Protein change: p.Val536Leu; replaces valine 536 with leucine.
Molecular consequence: missense variant.
Genome position (GRCh38, 1-based): chr17:58,358,170, C>G on the plus strand (G>C on the coding strand, the complement: RNF43 is on the minus strand). VCF-style: chr17-58358170-C-G. GRCh37 (hg19) VCF-style: chr17-56435531-C-G.
Other names: c.1606G>C, p.Val536Leu (NM_001305544.3); c.1225G>C, p.Val409Leu (NM_001305545.2); short protein forms V409L, V536L.
Identifiers: ClinVar variation 1009733 (VCV001009733.9), dbSNP rs773453980, ClinGen allele CA8673147.
Genomic context (GRCh38, chr17:58,358,170, plus strand): 5'-GGTGCCGGTGGCGGTGGTAGTGGACATGGCTGGAAACCTGGGTTTCCCCTGTGGGCACCA[C>G]CGAGTCCAAGGAACGAGGCCGAGAGGTCACACTAGGCTGCATGTCCACTCGCTGGGGATC-3'
Protein context (NP_060233.3, residues 526-546): VTSRPRSLDS[Val536Leu]VPTGETQVSS

ClinVar aggregate classification (germline): Uncertain significance. Review status: criteria provided, multiple submitters, no conflicts (2 of 4 stars). 2 submissions from 2 submitters: Uncertain significance (2). Last evaluated 2025-06-09.

Allele frequency attached by ClinVar (database versions not stated): TOPMed 0.00001.
gnomAD v4.1: 12 of 1,612,564 alleles (0.00074%); highest among the groups gnomAD compares: Non-Finnish European, 0.00093%; no homozygotes.

Submissions (2):

Labcorp Genetics (formerly Invitae), Labcorp
Classification: Uncertain significance. Last evaluated: 2025-06-09. Review status: criteria provided, single submitter. Criteria: Invitae Variant Classification Sherloc (09022015). Collection method: clinical testing. Allele origin: germline.
Comment: This sequence change replaces valine, which is neutral and non-polar, with leucine, which is neutral and non-polar, at codon 536 of the RNF43 protein (p.Val536Leu). This variant is present in population databases (rs773453980, gnomAD 0.003%). This variant has not been reported in the literature in individuals affected with RNF43-related conditions. ClinVar contains an entry for this variant (Variation ID: 1009733). An algorithm developed to predict the effect of missense changes on protein structure and function (PolyPhen-2) suggests that this variant is likely to be tolerated. In summary, the available evidence is currently insufficient to determine the role of this variant in disease. Therefore, it has been classified as a Variant of Uncertain Significance.

Ambry Genetics
Classification: Uncertain significance. Last evaluated: 2024-11-25. Review status: criteria provided, single submitter. Criteria: Ambry Variant Classification Scheme 2023. Collection method: clinical testing. Allele origin: germline.